The following is an entry in ClinVar:

ClinVar aggregate classification (germline): Benign. Review status: criteria provided, multiple submitters, no conflicts (2 of 4 stars). 4 submissions from 4 submitters: Benign (4). Last evaluated 2026-02-03.

Allele frequency attached by ClinVar (database versions not stated): gnomAD exomes 0.40328 and 0.40578; ExAC 0.40556; 1000 Genomes Project 0.43351; 1000 Genomes Project 30x 0.43582; gnomAD 0.44272 and 0.44916; TOPMed 0.44885; ESP Exome Variant Server 0.45348.
gnomAD v4.1: 660,103 of 1,612,508 alleles (41%); highest among the groups gnomAD compares: African/African-American, 54%; 136,717 homozygotes.

Submissions (4):

Labcorp Genetics (formerly Invitae), Labcorp
Classification: Benign. Last evaluated: 2026-02-03. Review status: criteria provided, single submitter. Criteria: Invitae Variant Classification Sherloc (09022015). Collection method: clinical testing. Allele origin: germline.

Blueprint Genetics
Classification: Benign. Last evaluated: 2024-11-27. Review status: criteria provided, single submitter. Criteria: ACMG Guidelines, 2015. Collection method: clinical testing. Allele origin: germline.

GeneDx
Classification: Benign. Last evaluated: 2016-01-11. Review status: criteria provided, single submitter. Criteria: GeneDx Variant Classification (06012015). Collection method: clinical testing. Allele origin: germline. Affected: yes.
Comment: This variant is considered likely benign or benign based on one or more of the following criteria: it is a conservative change, it occurs at a poorly conserved position in the protein, it is predicted to be benign by multiple in silico algorithms, and/or has population frequency not consistent with disease.

Breakthrough Genomics
Classification: Benign. Review status: criteria provided, single submitter. Criteria: ACMG Guidelines, 2015. Collection method: not provided. Allele origin: germline. Inheritance: Autosomal recessive inheritance. Affected: yes.

NM_002291.3(LAMB1):c.4879T>C (p.Leu1627=)

Gene: LAMB1 (laminin subunit beta 1; minus strand). Cytogenetic location: 7q31.1.
Variant type: single nucleotide variant.
Coding change: c.4879T>C on transcript NM_002291.3 (MANE Select); coding-DNA position 4879, T replaced by C.
Protein change: p.Leu1627=; no amino-acid change (leucine 1627 retained).
Molecular consequence: synonymous variant.
Genome position (GRCh38, 1-based): chr7:107,929,072, A>G on the plus strand (T>C on the coding strand, the complement: LAMB1 is on the minus strand). VCF-style: chr7-107929072-A-G. GRCh37 (hg19) VCF-style: chr7-107569517-A-G.
Identifiers: ClinVar variation 380841 (VCV000380841.12), dbSNP rs1131398, ClinGen allele CA4434921.